The following is an entry in ClinVar:

NM_000548.5(TSC2):c.3595G>T (p.Val1199Phe)

Gene: TSC2 (TSC complex subunit 2; plus strand). Cytogenetic location: 16p13.3.
Variant type: single nucleotide variant.
Coding change: c.3595G>T on transcript NM_000548.5 (MANE Select); coding-DNA position 3595, G replaced by T.
Protein change: p.Val1199Phe; replaces valine 1199 with phenylalanine.
Molecular consequence: missense variant.
Genome position (GRCh38, 1-based): chr16:2,080,362, G>T. VCF-style: chr16-2080362-G-T. GRCh37 (hg19) VCF-style: chr16-2130363-G-T.
Other names: c.3463G>T, p.Val1155Phe (NM_001077183.3, NM_001370404.1); c.3595G>T, p.Val1199Phe (NM_001114382.3); c.3355G>T, p.Val1119Phe (NM_001318827.2); c.3319G>T, p.Val1107Phe (NM_001318829.2); c.2863G>T, p.Val955Phe (NM_001318831.2); c.3496G>T, p.Val1166Phe (NM_001318832.2); c.3466G>T, p.Val1156Phe (NM_001363528.2, NM_001370405.1, NM_021055.3); short protein forms V1107F, V1199F, V1155F, V1156F, V1166F, V1119F, V955F.
Identifiers: ClinVar variation 944512 (VCV000944512.10), dbSNP rs1596390891, ClinGen allele CA394289697.
Genomic context (GRCh38, chr16:2,080,362, plus strand): 5'-GAGAAGACGAACCTGGCGGCCTATGTGCCCCTGCTGACCCAGGGCTGGGCGGAGATCCTG[G>T]TCCGGAGGCCCACAGGTACTGGGCGGGGCTGGCCTGAGCGCCATCTTTCTGCCAGTCACC-3'
Protein context (NP_000539.2, residues 1189-1209): LLTQGWAEIL[Val1199Phe]RRPTGNTSWL

ClinVar aggregate classification (germline): Uncertain significance. Review status: criteria provided, multiple submitters, no conflicts (2 of 4 stars). 2 submissions from 2 submitters: Uncertain significance (2). Last evaluated 2025-02-08.

Conditions:
Hereditary cancer-predisposing syndrome. Also called: Neoplastic Syndromes, Hereditary; Hereditary neoplastic syndrome; Hereditary Cancer Syndrome; Tumor predisposition. Identifiers: Orphanet 140162, MedGen C0027672, MeSH D009386, MONDO:0015356.
Tuberous sclerosis 2 (TSC2). Identifiers: Orphanet 805, MedGen C1860707, MONDO:0013199, OMIM 613254.

Submissions (2):

Ambry Genetics
Classification: Uncertain significance for Hereditary cancer-predisposing syndrome. Last evaluated: 2025-02-08. Review status: criteria provided, single submitter. Criteria: Ambry Variant Classification Scheme 2023. Collection method: clinical testing. Allele origin: germline.
Comment: The p.V1199F variant (also known as c.3595G>T), located in coding exon 29 of the TSC2 gene, results from a G to T substitution at nucleotide position 3595. The valine at codon 1199 is replaced by phenylalanine, an amino acid with highly similar properties. This amino acid position is conserved. In addition, this alteration is predicted to be deleterious by in silico analysis. Based on the available evidence, the clinical significance of this variant remains unclear.

Labcorp Genetics (formerly Invitae), Labcorp
Classification: Uncertain significance for Tuberous sclerosis 2. Last evaluated: 2023-04-12. Review status: criteria provided, single submitter. Criteria: Invitae Variant Classification Sherloc (09022015). Collection method: clinical testing. Allele origin: germline.
Comment: This sequence change replaces valine, which is neutral and non-polar, with phenylalanine, which is neutral and non-polar, at codon 1199 of the TSC2 protein (p.Val1199Phe). This variant is not present in population databases (gnomAD no frequency). In summary, the available evidence is currently insufficient to determine the role of this variant in disease. Therefore, it has been classified as a Variant of Uncertain Significance. Advanced modeling of protein sequence and biophysical properties (such as structural, functional, and spatial information, amino acid conservation, physicochemical variation, residue mobility, and thermodynamic stability) performed at Invitae indicates that this missense variant is not expected to disrupt TSC2 protein function. ClinVar contains an entry for this variant (Variation ID: 944512). This variant has not been reported in the literature in individuals affected with TSC2-related conditions.